The following is an entry in ClinVar:

NM_014679.5(CEP57):c.838C>T (p.Pro280Ser)

Gene: CEP57 (centrosomal protein 57; plus strand). Cytogenetic location: 11q21.
Variant type: single nucleotide variant.
Coding change: c.838C>T on transcript NM_014679.5 (MANE Select); coding-DNA position 838, C replaced by T.
Protein change: p.Pro280Ser; replaces proline 280 with serine.
Molecular consequence: missense variant. On other transcripts: intron variant (4).
Genome position (GRCh38, 1-based): chr11:95,822,529, C>T. VCF-style: chr11-95822529-C-T. GRCh37 (hg19) VCF-style: chr11-95555693-C-T.
Other names: c.807+551C>T (NM_001243777.2); c.699+3625C>T (NM_001440874.1); c.690+551C>T (NM_001440876.1); c.582+3625C>T (NM_001440882.1); c.811C>T, p.Pro271Ser (NM_001243776.2); c.757C>T, p.Pro253Ser (NM_001363604.2, NM_001440869.1, NM_001440870.1); c.730C>T, p.Pro244Ser (NM_001440871.1); c.721C>T, p.Pro241Ser (NM_001440872.1); and 6 more; short protein forms P193S, P181S, P214S, P217S, P241S, P253S, P280S, P205S.
Identifiers: ClinVar variation 5034364 (VCV005034364.1).

ClinVar aggregate classification (germline): Uncertain significance (1 of 4 stars; one submission).

Conditions:
Inborn genetic diseases. Identifiers: MedGen C0950123, MeSH D030342.

Submission:

Ambry Genetics
Classification: Uncertain significance for Inborn genetic diseases. Last evaluated: 2026-06-28. Review status: criteria provided, single submitter. Criteria: Ambry Variant Classification Scheme 2023. Collection method: clinical testing. Allele origin: germline.
Comment: The p.P280S variant (also known as c.838C>T), located in coding exon 8 of the CEP57 gene, results from a C to T substitution at nucleotide position 838. The proline at codon 280 is replaced by serine, an amino acid with similar properties. This amino acid position is conserved. In addition, the in silico prediction for this alteration is inconclusive. Based on the available evidence, the clinical significance of this variant remains unclear.